The following is an entry in ClinVar:

NM_001353921.2(ARHGEF9):c.1024A>T (p.Asn342Tyr)

Gene: ARHGEF9 (Cdc42 guanine nucleotide exchange factor 9; minus strand). Cytogenetic location: Xq11.1.
Variant type: single nucleotide variant.
Coding change: c.1024A>T on transcript NM_001353921.2 (MANE Select); coding-DNA position 1024, A replaced by T.
Protein change: p.Asn342Tyr; replaces asparagine 342 with tyrosine.
Molecular consequence: missense variant. On other transcripts: intron variant (5).
Genome position (GRCh38, 1-based): chrX:63,665,939, T>A on the plus strand (A>T on the coding strand, the complement: ARHGEF9 is on the minus strand). VCF-style: chrX-63665939-T-A. GRCh37 (hg19) VCF-style: chrX-62885819-T-A.
Other names: c.940A>T, p.Asn314Tyr (NM_001369043.1, NM_001369044.1, NM_001369033.1 and 6 more transcripts); c.1003A>T, p.Asn335Tyr (NM_015185.3, NM_001369032.1, NM_001369030.1 and 1 more transcripts); c.945+8099A>T (NM_001353922.2); c.861+8099A>T (NM_001369041.1, NM_001353927.2); c.510+8099A>T (NM_001369045.1); c.924+8099A>T (NM_001353928.2); c.823A>T, p.Asn275Tyr (NM_001369039.1, NM_001369040.1, NM_001353926.2 and 1 more transcripts); c.697A>T, p.Asn233Tyr (NM_001369042.1, NM_001173480.2); and 2 more; short protein forms N233Y, N275Y, N282Y, N314Y, N335Y, N342Y, N348Y.
Identifiers: ClinVar variation 4538793 (VCV004538793.1).

ClinVar aggregate classification (germline): Uncertain significance (1 of 4 stars; one submission).

Submission:

GeneDx
Classification: Uncertain significance. Last evaluated: 2025-06-18. Review status: criteria provided, single submitter. Criteria: GeneDx Variant Classification Process June 2021. Collection method: clinical testing. Allele origin: germline. Affected: yes.
Comment: Not observed at significant frequency in large population cohorts (gnomAD); In silico analysis suggests that this missense variant does not alter protein structure/function; Has not been previously published as pathogenic or benign to our knowledge